The following is an entry in ClinVar:

ClinVar aggregate classification (germline): Likely benign (1 of 4 stars; one submission).

gnomAD v4.1: 2 of 1,210,465 alleles (0.00017%); highest among the groups gnomAD compares: Non-Finnish European, 0.00022%; no homozygotes.

Submission:

CeGaT Center for Human Genetics Tuebingen
Classification: Likely benign. Last evaluated: 2023-01-01. Review status: criteria provided, single submitter. Criteria: CeGaT Center For Human Genetics Tuebingen Variant Classification Criteria Version 2. Collection method: clinical testing. Allele origin: germline. Affected: yes. Observed: 1 variant allele.
Comment: FRMPD3: PM2:Supporting, BP4, BP7

NM_001388459.1(FRMPD3):c.4833C>T (p.Ser1611=)

Gene: FRMPD3 (FERM and PDZ domain containing 3; plus strand). Cytogenetic location: Xq22.3.
Variant type: single nucleotide variant.
Coding change: c.4833C>T on transcript NM_001388459.1 (MANE Select); coding-DNA position 4833, C replaced by T.
Protein change: p.Ser1611=; no amino-acid change (serine 1611 retained).
Molecular consequence: synonymous variant.
Genome position (GRCh38, 1-based): chrX:107,602,872, C>T. VCF-style: chrX-107602872-C-T. GRCh37 (hg19) VCF-style: chrX-106846102-C-T.
Other names: c.4428C>T, p.Ser1476= (NM_001388462.1); c.4932C>T, p.Ser1644= (NM_032428.2).
Identifiers: ClinVar variation 2661151 (VCV002661151.24), dbSNP rs2521262239, ClinGen allele CA518100231.